The following is an entry in ClinVar:

NM_000388.4(CASR):c.2983C>T (p.Gln995Ter)

Gene: CASR (calcium sensing receptor; plus strand). Cytogenetic location: 3q21.1.
Variant type: single nucleotide variant.
Coding change: c.2983C>T on transcript NM_000388.4 (MANE Select); coding-DNA position 2983, C replaced by T.
Protein change: p.Gln995Ter; replaces glutamine 995 with a stop codon.
Molecular consequence: nonsense.
Genome position (GRCh38, 1-based): chr3:122,284,937, C>T. VCF-style: chr3-122284937-C-T. GRCh37 (hg19) VCF-style: chr3-122003784-C-T.
Other names: c.3013C>T, p.Gln1005Ter (NM_001178065.2); short protein forms Q995*, Q1005*.
Identifiers: ClinVar variation 4984556 (VCV004984556.1).

ClinVar aggregate classification (germline): Likely pathogenic (1 of 4 stars; one submission).

Conditions:
CASR-related disorder. Also called: CASR-related condition.

Submission:

PreventionGenetics, part of Exact Sciences
Classification: Likely pathogenic for CASR-related condition. Last evaluated: 2025-11-21. Review status: criteria provided, single submitter. Criteria: ACMG Guidelines, 2015. Collection method: clinical testing. Allele origin: germline.
Comment: The CASR c.3013C>T variant is predicted to result in premature protein termination (p.Gln1005*). To our knowledge, this variant has not been reported in the literature or in a large population database (gnomAD), indicating this variant is rare. Nonsense variants in CASR are expected to be pathogenic. This variant is located in the terminal exon and is not predicted to cause nonsense mediated decay of the transcript; however, multiple loss of function variants downstream have been reported in association with CASR related disorders (see for example, Chuan et al. 2022. PubMed ID: 35571021; Mamedova et al. 2017. PubMed ID: 28870973). This variant is interpreted as likely pathogenic.